The following is an entry in ClinVar:

ClinVar aggregate classification (germline): Likely benign (0 of 4 stars; one submission).

Conditions:
KCNT2-related disorder. Also called: KCNT2-related condition. Identifiers: MedGen CN236796.

Allele frequency attached by ClinVar (database versions not stated): gnomAD exomes 0.00001; ExAC 0.00011; gnomAD 0.00015; TOPMed 0.00017; 1000 Genomes Project 0.00040; 1000 Genomes Project 30x 0.00047.
gnomAD v4.1: 37 of 1,435,432 alleles (0.0026%); highest among the groups gnomAD compares: African/African-American, 0.05%; no homozygotes.

Submission:

PreventionGenetics, part of Exact Sciences
Classification: Likely benign for KCNT2-related condition. Last evaluated: 2022-11-08. Review status: no assertion criteria provided. Collection method: clinical testing. Allele origin: germline.
Comment: This variant is classified as likely benign based on ACMG/AMP sequence variant interpretation guidelines (Richards et al. 2015 PMID: 25741868, with internal and published modifications).

NM_198503.5(KCNT2):c.120T>A (p.Asn40Lys)

Gene: KCNT2 (potassium sodium-activated channel subfamily T member 2; minus strand). Cytogenetic location: 1q31.3.
Variant type: single nucleotide variant.
Coding change: c.120T>A on transcript NM_198503.5 (MANE Select); coding-DNA position 120, T replaced by A.
Protein change: p.Asn40Lys; replaces asparagine 40 with lysine.
Molecular consequence: missense variant. On other transcripts: non-coding transcript variant (2).
Genome position (GRCh38, 1-based): chr1:196,492,317, A>T on the plus strand (T>A on the coding strand, the complement: KCNT2 is on the minus strand). VCF-style: chr1-196492317-A-T. GRCh37 (hg19) VCF-style: chr1-196461447-A-T.
Other names: c.120T>A, p.Asn40Lys (NM_001287819.3, NM_001287820.3); short protein forms N40K.
Identifiers: ClinVar variation 3036464 (VCV003036464.2), dbSNP rs568420053, ClinGen allele CA1304841.